The following is an entry in ClinVar:

GRCh37/hg19 2q37.3(chr2:241617726-241716779)x3

Genes: AQP12A (aquaporin 12A; plus strand), AQP12B (aquaporin 12B; minus strand), KIF1A (kinesin family member 1A; minus strand). Cytogenetic location: 2q37.3.
Variant type: copy number gain.
Change: copy number 3 (three copies instead of two) of chr2:241,617,726-241,716,779 (99.1 kb, GRCh37 coordinates, 1-based), cytogenetic band 2q37.3.
Identifiers: ClinVar variation 393823 (VCV000393823.3).

ClinVar aggregate classification (germline): Benign/Likely benign (0 of 4 stars; one submission).

Submission:

ISCA Site 6
Classification: Benign/Likely benign. Review status: no assertion criteria provided. Collection method: clinical testing. Allele origin: unknown. Affected: yes. Observed: 2 variant alleles.
Comment: Likely benign (1), Benign (1)

Copy number variation identified through the course of routine clinical cytogenomic testing in postnatal populations, with clinical assertions as classified by the original submitter. For data from the original published study, Kaminsky, et al. 2011 (PubMed 21844811), please see nstd101.